The following is an entry in ClinVar:

NM_015192.4(PLCB1):c.3215T>C (p.Met1072Thr)

Gene: PLCB1 (phospholipase C beta 1; plus strand). Cytogenetic location: 20p12.3.
Variant type: single nucleotide variant.
Coding change: c.3215T>C on transcript NM_015192.4 (MANE Select); coding-DNA position 3215, T replaced by C.
Protein change: p.Met1072Thr; replaces methionine 1072 with threonine.
Molecular consequence: missense variant.
Genome position (GRCh38, 1-based): chr20:8,788,659, T>C. VCF-style: chr20-8788659-T-C. GRCh37 (hg19) VCF-style: chr20-8769306-T-C.
Other names: c.3215T>C, p.Met1072Thr (NM_182734.3); short protein forms M1072T.
Identifiers: ClinVar variation 2163783 (VCV002163783.4), dbSNP rs2515364022, ClinGen allele CA408209686.
Genomic context (GRCh38, chr20:8,788,659, plus strand): 5'-TCTTTTTTCTCTTTTACTTCCATTGTGACTTCAGAGAAAAGAAAGAATTAAAGAAGAAAA[T>C]GGATAAAAAGAGGCAGGAGAAGATAACAGAAGCTAAATCCAAAGACAAAAGTCAGATGGA-3'
Protein context (NP_056007.1, residues 1062-1082): EKEKKELKKK[Met1072Thr]DKKRQEKITE

ClinVar aggregate classification (germline): Uncertain significance (1 of 4 stars; one submission).

Conditions:
Developmental and epileptic encephalopathy, 12 (DEE12). Identifiers: MedGen C3150988, MONDO:0013389, OMIM 613722.

Submission:

Labcorp Genetics (formerly Invitae), Labcorp
Classification: Uncertain significance for Developmental and epileptic encephalopathy, 12. Last evaluated: 2023-11-27. Review status: criteria provided, single submitter. Criteria: Invitae Variant Classification Sherloc (09022015). Collection method: clinical testing. Allele origin: germline.
Comment: This sequence change replaces methionine, which is neutral and non-polar, with threonine, which is neutral and polar, at codon 1072 of the PLCB1 protein (p.Met1072Thr). This variant is not present in population databases (gnomAD no frequency). This variant has not been reported in the literature in individuals affected with PLCB1-related conditions. ClinVar contains an entry for this variant (Variation ID: 2163783). Advanced modeling of protein sequence and biophysical properties (such as structural, functional, and spatial information, amino acid conservation, physicochemical variation, residue mobility, and thermodynamic stability) performed at Invitae indicates that this missense variant is not expected to disrupt PLCB1 protein function with a negative predictive value of 80%. In summary, the available evidence is currently insufficient to determine the role of this variant in disease. Therefore, it has been classified as a Variant of Uncertain Significance.